The following is an entry in ClinVar:

ClinVar aggregate classification (germline): Uncertain significance (1 of 4 stars; one submission).

Conditions:
Familial temporal lobe epilepsy 7. Identifiers: Orphanet 101046, MedGen C4225327, MONDO:0014639, OMIM 616436.
Norman-Roberts syndrome (LIS2). Also called: Lissencephaly 2 (Norman-Roberts type). Identifiers: Orphanet 89844, MedGen C0796089, MONDO:0009760, OMIM 257320.

Allele frequency attached by ClinVar (database versions not stated): gnomAD exomes below 0.00001 and 0.00001.
gnomAD v4.1: 18 of 1,611,026 alleles (0.0011%); highest among the groups gnomAD compares: Non-Finnish European, 0.0014%; no homozygotes.

Submission:

Labcorp Genetics (formerly Invitae), Labcorp
Classification: Uncertain significance for Familial temporal lobe epilepsy 7; Norman-Roberts syndrome. Last evaluated: 2020-09-25. Review status: criteria provided, single submitter. Criteria: Invitae Variant Classification Sherloc (09022015). Collection method: clinical testing. Allele origin: germline.
Comment: This sequence change replaces valine with isoleucine at codon 589 of the RELN protein (p.Val589Ile). The valine residue is moderately conserved and there is a small physicochemical difference between valine and isoleucine. In summary, the available evidence is currently insufficient to determine the role of this variant in disease. Therefore, it has been classified as a Variant of Uncertain Significance. Algorithms developed to predict the effect of missense changes on protein structure and function output the following: SIFT: "Tolerated"; PolyPhen-2: "Benign"; Align-GVGD: "Class C0". The isoleucine amino acid residue is found in multiple mammalian species, suggesting that this missense change does not adversely affect protein function. These predictions have not been confirmed by published functional studies and their clinical significance is uncertain. This variant has not been reported in the literature in individuals with RELN-related conditions. This variant is not present in population databases (ExAC no frequency).

NM_005045.4(RELN):c.1765G>A (p.Val589Ile)

Gene: RELN (reelin; minus strand). Cytogenetic location: 7q22.1.
Variant type: single nucleotide variant.
Coding change: c.1765G>A on transcript NM_005045.4 (MANE Select); coding-DNA position 1765, G replaced by A.
Protein change: p.Val589Ile; replaces valine 589 with isoleucine.
Molecular consequence: missense variant.
Genome position (GRCh38, 1-based): chr7:103,651,788, C>T on the plus strand (G>A on the coding strand, the complement: RELN is on the minus strand). VCF-style: chr7-103651788-C-T. GRCh37 (hg19) VCF-style: chr7-103292235-C-T.
Other names: c.1765G>A, p.Val589Ile (NM_173054.3); short protein forms V589I.
Identifiers: ClinVar variation 1019304 (VCV001019304.8), dbSNP rs1199009421, ClinGen allele CA368764717.